The following is an entry in ClinVar:

ClinVar aggregate classification (germline): Uncertain significance. Review status: criteria provided, multiple submitters, no conflicts (2 of 4 stars). 2 submissions from 2 submitters: Uncertain significance (2). Last evaluated 2023-06-05.

Conditions:
Episodic ataxia type 2 (EA2). Also called: ATAXIA, EPISODIC, WITH NYSTAGMUS; ATAXIA, FAMILIAL PAROXYSMAL; CEREBELLAR ATAXIA, PAROXYSMAL, ACETAZOLAMIDE-RESPONSIVE; CEREBELLOPATHY, HEREDITARY PAROXYSMAL; EPISODIC ATAXIA, NYSTAGMUS-ASSOCIATED; ACETAZOLAMIDE-RESPONSIVE HEREDITARY PAROXYSMAL CEREBELLAR ATAXIA. Identifiers: Orphanet 97, MedGen C1720416, MONDO:0007163, OMIM 108500.
Developmental and epileptic encephalopathy, 42 (DEE42A). Also called: Epileptic encephalopathy, early infantile, 42; DEVELOPMENTAL AND EPILEPTIC ENCEPHALOPATHY 42A; EPILEPTIC ENCEPHALOPATHY, EARLY INFANTILE, 42A. Identifiers: MedGen C4310716, MONDO:0014917, OMIM 617106.

Submissions (2):

Labcorp Genetics (formerly Invitae), Labcorp
Classification: Uncertain significance for Developmental and epileptic encephalopathy, 42; Episodic ataxia type 2. Last evaluated: 2023-06-05. Review status: criteria provided, single submitter. Criteria: Invitae Variant Classification Sherloc (09022015). Collection method: clinical testing. Allele origin: germline.
Comment: Advanced modeling of protein sequence and biophysical properties (such as structural, functional, and spatial information, amino acid conservation, physicochemical variation, residue mobility, and thermodynamic stability) has been performed at Invitae for this missense variant, however the output from this modeling did not meet the statistical confidence thresholds required to predict the impact of this variant on CACNA1A protein function. ClinVar contains an entry for this variant (Variation ID: 1251923). This variant has not been reported in the literature in individuals affected with CACNA1A-related conditions. This variant is not present in population databases (gnomAD no frequency). This sequence change replaces methionine, which is neutral and non-polar, with arginine, which is basic and polar, at codon 1898 of the CACNA1A protein (p.Met1898Arg). In summary, the available evidence is currently insufficient to determine the role of this variant in disease. Therefore, it has been classified as a Variant of Uncertain Significance.

HudsonAlpha Institute for Biotechnology
Classification: Uncertain significance for Developmental and epileptic encephalopathy, 42. Last evaluated: 2020-04-10. Review status: criteria provided, single submitter. Criteria: ACMG Guidelines, 2015. Collection method: research. Allele origin: unknown. Observed: 1 variant allele. Study: HudsonAlpha-AGHI-WGS.
Comment: ACMG codes:PM2, PP3

NM_001127222.2(CACNA1A):c.5690T>G (p.Met1897Arg)

Gene: CACNA1A (calcium voltage-gated channel subunit alpha1 A; minus strand). Cytogenetic location: 19p13.13.
Variant type: single nucleotide variant.
Coding change: c.5690T>G on transcript NM_001127222.2 (MANE Select); coding-DNA position 5690, T replaced by G.
Protein change: p.Met1897Arg; replaces methionine 1897 with arginine.
Molecular consequence: missense variant.
Genome position (GRCh38, 1-based): chr19:13,224,708, A>C on the plus strand (T>G on the coding strand, the complement: CACNA1A is on the minus strand). VCF-style: chr19-13224708-A-C. GRCh37 (hg19) VCF-style: chr19-13335522-A-C.
Other names: c.5708T>G, p.Met1903Arg (NM_000068.4, NM_023035.3); c.5693T>G, p.Met1898Arg (NM_001127221.2); c.5699T>G, p.Met1900Arg (NM_001174080.2); short protein forms M1897R, M1898R, M1900R, M1903R.
Identifiers: ClinVar variation 1251923 (VCV001251923.4), dbSNP rs2144595037, ClinGen allele CA404336933.